The following is an entry in ClinVar:

ClinVar aggregate classification (germline): Conflicting classifications of pathogenicity. Review status: criteria provided, conflicting classifications (1 of 4 stars). 3 submissions from 3 submitters: Uncertain significance (1); Likely benign (2). Last evaluated 2025-07-13.

Conditions:
Hereditary cancer-predisposing syndrome. Also called: Hereditary Cancer Syndrome; Hereditary neoplastic syndrome; Neoplastic Syndromes, Hereditary; Tumor predisposition. Identifiers: Orphanet 140162, MedGen C0027672, MeSH D009386, MONDO:0015356.
Hereditary breast ovarian cancer syndrome. Also called: Hereditary breast and ovarian cancer syndrome (HBOC); Breast and ovarian cancer; Hereditary breast and/or ovarian cancer syndrome; BRCA1- and BRCA2-Associated Hereditary Breast and Ovarian Cancer; Hereditary breast and ovarian cancer syndrome; Hereditary breast and ovarian cancer. Identifiers: Orphanet 145, MedGen C0677776, MeSH D061325, MONDO:0003582. Disease mechanism: loss of function.

Allele frequency attached by ClinVar (database versions not stated): gnomAD exomes below 0.00001.
gnomAD v4.1: 1 of 1,603,476 alleles (0.000062%); highest among the groups gnomAD compares: Non-Finnish European, 0.000085%; no homozygotes.

Submissions (3):

Labcorp Genetics (formerly Invitae), Labcorp
Classification: Uncertain significance for Hereditary breast ovarian cancer syndrome. Last evaluated: 2025-07-13. Review status: criteria provided, single submitter. Criteria: Invitae Variant Classification Sherloc (09022015). Collection method: clinical testing. Allele origin: germline.
Comment: This sequence change replaces alanine, which is neutral and non-polar, with threonine, which is neutral and polar, at codon 1652 of the BRCA2 protein (p.Ala1652Thr). This variant is not present in population databases (gnomAD no frequency). This variant has not been reported in the literature in individuals affected with BRCA2-related conditions. ClinVar contains an entry for this variant (Variation ID: 1062546). Invitae Evidence Modeling of protein sequence and biophysical properties (such as structural, functional, and spatial information, amino acid conservation, physicochemical variation, residue mobility, and thermodynamic stability) indicates that this missense variant is not expected to disrupt BRCA2 protein function with a negative predictive value of 95%. In summary, the available evidence is currently insufficient to determine the role of this variant in disease. Therefore, it has been classified as a Variant of Uncertain Significance.

Ambry Genetics
Classification: Likely benign for Hereditary cancer-predisposing syndrome. Last evaluated: 2023-05-10. Review status: criteria provided, single submitter. Criteria: Ambry Variant Classification Scheme 2023. Collection method: clinical testing. Allele origin: germline.

University of Washington Department of Laboratory Medicine, University of Washington
Classification: Likely benign for Hereditary cancer-predisposing syndrome. Last evaluated: 2023-03-23. Review status: criteria provided, single submitter. Criteria: Dines et al. (Genet Med. 2020). Collection method: curation. Allele origin: germline.
Comment: Missense variant in a coldspot region where missense variants are very unlikely to be pathogenic (PMID:31911673).

BRCA2 exon 11 coldspot. Reclassification based on statistical prior probability.

NM_000059.4(BRCA2):c.4954G>A (p.Ala1652Thr)

Gene: BRCA2 (BRCA2 DNA repair associated; plus strand). Cytogenetic location: 13q13.1.
Variant type: single nucleotide variant.
Coding change: c.4954G>A on transcript NM_000059.4 (MANE Select); coding-DNA position 4954, G replaced by A.
Protein change: p.Ala1652Thr; replaces alanine 1652 with threonine.
Molecular consequence: missense variant.
Genome position (GRCh38, 1-based): chr13:32,339,309, G>A. VCF-style: chr13-32339309-G-A. GRCh37 (hg19) VCF-style: chr13-32913446-G-A.
Other names: c.4954G>A (NM_000059.3); short protein forms A1652T.
Identifiers: ClinVar variation 1062546 (VCV001062546.12), dbSNP rs80358720, ClinGen allele CA387783769.